The following is an entry in ClinVar:

ClinVar aggregate classification (germline): Likely benign (0 of 4 stars; one submission).

Conditions:
AMACR-related disorder. Also called: AMACR-related condition; AMACR-Related Disorders.

Allele frequency attached by ClinVar (database versions not stated): gnomAD 0.00001.
gnomAD v4.1: 6 of 1,606,398 alleles (0.00037%); highest among the groups gnomAD compares: Middle Eastern, 0.016%; no homozygotes.

Submission:

PreventionGenetics, part of Exact Sciences
Classification: Likely benign for AMACR-related condition. Last evaluated: 2021-03-10. Review status: no assertion criteria provided. Collection method: clinical testing. Allele origin: germline.
Comment: This variant is classified as likely benign based on ACMG/AMP sequence variant interpretation guidelines (Richards et al. 2015 PMID: 25741868, with internal and published modifications).

NM_014324.6(AMACR):c.108G>A (p.Arg36=)

Genes: AMACR (alpha-methylacyl-CoA racemase; minus strand), C1QTNF3-AMACR (C1QTNF3-AMACR readthrough (NMD candidate); minus strand). Cytogenetic location: 5p13.2.
Variant type: single nucleotide variant.
Coding change: c.108G>A on transcript NM_014324.6 (MANE Select); coding-DNA position 108, G replaced by A.
Protein change: p.Arg36=; no amino-acid change (arginine 36 retained).
Molecular consequence: synonymous variant.
Genome position (GRCh38, 1-based): chr5:34,007,912, C>T on the plus strand (G>A on the coding strand, the complement: AMACR is on the minus strand). VCF-style: chr5-34007912-C-T. GRCh37 (hg19) VCF-style: chr5-34008017-C-T.
Other names: c.108G>A, p.Arg36= (NM_001167595.2, NM_203382.3).
Identifiers: ClinVar variation 3047038 (VCV003047038.2), dbSNP rs1174211350, ClinGen allele CA443872488.